The following is an entry in ClinVar:

NM_001303256.3(MORC2):c.798G>C (p.Arg266Ser)

Gene: MORC2 (MORC family CW-type zinc finger 2; minus strand). Cytogenetic location: 22q12.2.
Variant type: single nucleotide variant.
Coding change: c.798G>C on transcript NM_001303256.3 (MANE Select); coding-DNA position 798, G replaced by C.
Protein change: p.Arg266Ser; replaces arginine 266 with serine.
Molecular consequence: missense variant.
Genome position (GRCh38, 1-based): chr22:30,941,459, C>G on the plus strand (G>C on the coding strand, the complement: MORC2 is on the minus strand). VCF-style: chr22-30941459-C-G. GRCh37 (hg19) VCF-style: chr22-31337446-C-G.
Other names: c.798G>C, p.Arg266Ser (NM_001303257.2); c.612G>C, p.Arg204Ser (NM_014941.3); short protein forms R266S, R204S.
Identifiers: ClinVar variation 423564 (VCV000423564.12), dbSNP rs1064796495, ClinGen allele CA16621096.
Genomic context (GRCh38, chr22:30,941,459, plus strand): 5'-GGGAGACAGCAGGCCAAGGGGCACTGGCCCCTACCTGGGCTTGTACAGGCAGCAGGAGAG[C>G]CTCTTGGTCTGCACCTTGTGCCCATGGATGAAGATCCTCATCCGGGGATCAATATAGAGC-3'
Protein context (NP_001290185.1, residues 256-276): FIHGHKVQTK[Arg266Ser]LSCCLYKPRM

ClinVar aggregate classification (germline): Pathogenic/Likely pathogenic. Review status: criteria provided, multiple submitters, no conflicts (2 of 4 stars). 3 submissions from 3 submitters: Pathogenic (2); Likely pathogenic (1). Last evaluated 2025-05-20.

Conditions:
Developmental delay, impaired growth, dysmorphic facies, and axonal neuropathy. Identifiers: MedGen C5436781, MONDO:0030835, OMIM 619090.
Charcot-Marie-Tooth disease axonal type 2Z. Also called: CHARCOT-MARIE-TOOTH DISEASE, AXONAL, AUTOSOMAL DOMINANT, TYPE 2Z; CHARCOT-MARIE-TOOTH NEUROPATHY, TYPE 2Z. Identifiers: Orphanet 466768, MedGen C5569025, MONDO:0014736, OMIM 616688.

Submissions (3):

3billion
Classification: Pathogenic for Developmental delay, impaired growth, dysmorphic facies, and axonal neuropathy. Last evaluated: 2025-05-20. Review status: criteria provided, single submitter. Criteria: ACMG Guidelines, 2015. Collection method: clinical testing. Allele origin: germline. Affected: yes.
Comment: The variant is not observed in the gnomAD v4.1.0 dataset. Predicted Consequence/Location: Missense variant. Missense changes are a common disease-causing mechanism. Functional studies provide strong evidence of the variant having a damaging effect on the gene or gene product (PMID: 27105897, 32693025). The same nucleotide change resulting in the same amino acid change has been previously reported as pathogenic/likely pathogenic with strong evidence (ClinVar ID: VCV000423564 /PMID: 32693025). The variant has been previously reported as de novo in a similarly affected individual (PMID: 27105897, 32693025). Therefore, this variant is classified as Pathogenic according to the recommendation of ACMG/AMP guideline.

Labcorp Genetics (formerly Invitae), Labcorp
Classification: Pathogenic for Charcot-Marie-Tooth disease axonal type 2Z. Last evaluated: 2021-07-20. Review status: criteria provided, single submitter. Criteria: Invitae Variant Classification Sherloc (09022015). Collection method: clinical testing. Allele origin: germline.
Comment: For these reasons, this variant has been classified as Pathogenic. Experimental studies have shown that this variant affects MORC2 protein function (PMID: 32693025). Advanced modeling of protein sequence and biophysical properties (such as structural, functional, and spatial information, amino acid conservation, physicochemical variation, residue mobility, and thermodynamic stability) performed at Invitae indicates that this missense variant is expected to disrupt MORC2 protein function. ClinVar contains an entry for this variant (Variation ID: 423564). This variant has been observed in individual(s) with clinical features of Charcot-Marie-Tooth disease (Invitae). In at least one individual the variant was observed to be de novo. This variant is not present in population databases (ExAC no frequency). This sequence change replaces arginine with serine at codon 266 of the MORC2 protein (p.Arg266Ser). The arginine residue is moderately conserved and there is a moderate physicochemical difference between arginine and serine.

GeneDx
Classification: Likely pathogenic. Last evaluated: 2019-10-14. Review status: criteria provided, single submitter. Criteria: GeneDx Variant Classification Process June 2021. Collection method: clinical testing. Allele origin: germline. Affected: yes.
Comment: Not observed in large population cohorts (Lek et al., 2016); In silico analysis, which includes protein predictors and evolutionary conservation, supports a deleterious effect; Has not been previously published as pathogenic or benign to our knowledge; This variant is associated with the following publications: (PMID: 32693025)

Literature cited by the submitters: PubMed 32693025 (cited by 3billion and Labcorp Genetics (formerly Invitae), Labcorp); PubMed 27105897 (cited by 3billion).